The following is an entry in ClinVar:

NM_001015880.2(PAPSS2):c.712C>T (p.Arg238Ter)

Gene: PAPSS2 (3'-phosphoadenosine 5'-phosphosulfate synthase 2; plus strand). Cytogenetic location: 10q23.31.
Variant type: single nucleotide variant.
Coding change: c.712C>T on transcript NM_001015880.2 (MANE Select); coding-DNA position 712, C replaced by T.
Protein change: p.Arg238Ter; replaces arginine 238 with a stop codon.
Molecular consequence: nonsense.
Genome position (GRCh38, 1-based): chr10:87,715,057, C>T. VCF-style: chr10-87715057-C-T. GRCh37 (hg19) VCF-style: chr10-89474814-C-T.
Other names: p.(Arg238*); c.712C>T, p.Arg238Ter (NM_004670.4); short protein forms R238*.
Identifiers: ClinVar variation 932326 (VCV000932326.45), dbSNP rs541008862, ClinGen allele CA211260490.
Genomic context (GRCh38, chr10:87,715,057, plus strand): 5'-TATACTATAATCAAAGATATCCACGAACTCTTTGTGCCGGAAAACAAACTTGACCACGTC[C>T]GAGCTGAGGCTGAAACTCTCCCTTCATTATCAATTACTAAGGTAAGTGGGTGCAGACTGG-3'

ClinVar aggregate classification (germline): Pathogenic/Likely pathogenic. Review status: criteria provided, multiple submitters, no conflicts (2 of 4 stars). 5 submissions from 5 submitters: Pathogenic (4); Likely pathogenic (1). Last evaluated 2024-11-30.

Conditions:
PAPSS2-related disorder. Also called: PAPSS2-related condition.
Spondyloepimetaphyseal dysplasia, PAPSS2 type. Also called: SEMD, PAKISTANI TYPE; BRACHYOLMIA TYPE 4 WITH MILD EPIPHYSEAL AND METAPHYSEAL CHANGES; SPONDYLODYSPLASIA AND PREMATURE PUBARCHE. Identifiers: Orphanet 93282, MedGen C2748516, MONDO:0019666, OMIM 612847.

Allele frequency attached by ClinVar (database versions not stated): gnomAD exomes 0.00001 and 0.00002; TOPMed 0.00001.
gnomAD v4.1: 15 of 1,612,812 alleles (0.00093%); highest among the groups gnomAD compares: East Asian, 0.0022%; no homozygotes.

Submissions (5):

Labcorp Genetics (formerly Invitae), Labcorp
Classification: Pathogenic for Spondyloepimetaphyseal dysplasia, PAPSS2 type. Last evaluated: 2024-11-30. Review status: criteria provided, single submitter. Criteria: Invitae Variant Classification Sherloc (09022015). Collection method: clinical testing. Allele origin: germline.
Comment: This sequence change creates a premature translational stop signal (p.Arg238*) in the PAPSS2 gene. It is expected to result in an absent or disrupted protein product. Loss-of-function variants in PAPSS2 are known to be pathogenic (PMID: 22791835, 23633440). This variant is present in population databases (rs541008862, gnomAD 0.004%). This premature translational stop signal has been observed in individual(s) with spondyloepimetaphyseal dysplasia, Pakistani type (PMID: 35261200). ClinVar contains an entry for this variant (Variation ID: 932326). For these reasons, this variant has been classified as Pathogenic.

Blueprint Genetics
Classification: Pathogenic for PAPSS2-related disorders. Last evaluated: 2024-06-26. Review status: criteria provided, single submitter. Criteria: ACMG Guidelines, 2015. Collection method: clinical testing. Allele origin: germline. Affected: yes. Observed: 5 variant alleles.

Center of Genomic medicine, Geneva, University Hospital of Geneva
Classification: Pathogenic for Spondyloepimetaphyseal dysplasia, PAPSS2 type. Last evaluated: 2023-05-04. Review status: criteria provided, single submitter. Criteria: ACMG Guidelines, 2015. Collection method: clinical testing. Allele origin: inherited. Affected: yes. Observed: 3 variant alleles.

CeGaT Center for Human Genetics Tuebingen
Classification: Likely pathogenic. Last evaluated: 2020-06-01. Review status: criteria provided, single submitter. Criteria: CeGaT Center For Human Genetics Tuebingen Variant Classification Criteria Version 2. Collection method: clinical testing. Allele origin: germline. Affected: yes. Observed: 1 variant allele.

Clinical Genetics and Genomics, Karolinska University Hospital
Classification: Pathogenic. Last evaluated: 2017-05-11. Review status: criteria provided, single submitter. Criteria: ACMG Guidelines, 2015. Collection method: clinical testing. Allele origin: germline. Affected: yes. Observed: 1 variant allele.

Literature cited by the submitters: PubMed 22791835 (cited by Labcorp Genetics (formerly Invitae), Labcorp); PubMed 23633440 (cited by Labcorp Genetics (formerly Invitae), Labcorp); PubMed 35261200 (cited by Labcorp Genetics (formerly Invitae), Labcorp).